The following is an entry in ClinVar:

ClinVar aggregate classification (germline): Conflicting classifications of pathogenicity. Review status: criteria provided, conflicting classifications (1 of 4 stars). 6 submissions from 6 submitters: Uncertain significance (5); Likely benign (1). Last evaluated 2025-12-04.

Conditions:
Familial cancer of breast. Also called: BREAST CANCER, FAMILIAL; hereditary breast carcinoma; Hereditary breast cancer. Identifiers: Orphanet 227535, MedGen C0346153, MONDO:0016419, OMIM 114480. Disease mechanism: loss of function.
Hereditary cancer-predisposing syndrome. Also called: Neoplastic Syndromes, Hereditary; Hereditary Cancer Syndrome; Hereditary neoplastic syndrome; Tumor predisposition. Identifiers: Orphanet 140162, MedGen C0027672, MeSH D009386, MONDO:0015356.

Submissions (6):

Labcorp Genetics (formerly Invitae), Labcorp
Classification: Uncertain significance for Familial cancer of breast. Last evaluated: 2025-12-04. Review status: criteria provided, single submitter. Criteria: Invitae Variant Classification Sherloc (09022015). Collection method: clinical testing. Allele origin: germline.
Comment: This sequence change replaces leucine, which is neutral and non-polar, with phenylalanine, which is neutral and non-polar, at codon 266 of the BARD1 protein (p.Leu266Phe). This variant is not present in population databases (gnomAD no frequency). This variant has not been reported in the literature in individuals affected with BARD1-related conditions. ClinVar contains an entry for this variant (Variation ID: 479179). An algorithm developed to predict the effect of missense changes on protein structure and function (PolyPhen-2) suggests that this variant is likely to be tolerated. In summary, the available evidence is currently insufficient to determine the role of this variant in disease. Therefore, it has been classified as a Variant of Uncertain Significance.

Center for Genomic Medicine, Rigshospitalet, Copenhagen University Hospital
Classification: Uncertain significance. Last evaluated: 2025-03-04. Review status: criteria provided, single submitter. Criteria: ACMG Guidelines, 2015. Collection method: clinical testing. Allele origin: germline.

KCCC/NGS Laboratory, Kuwait Cancer Control Center
Classification: Uncertain significance for Familial cancer of breast. Last evaluated: 2024-09-09. Review status: criteria provided, single submitter. Criteria: ACMG Guidelines, 2015. Collection method: clinical testing. Allele origin: germline. Inheritance: Autosomal dominant inheritance. Affected: yes. Observed: 1 heterozygote.
Comment: This sequence change replaces leucine, which is neutral and non-polar, with phenylalanine, which is neutral and non-polar, at codon 266 of the BARD1 protein (p.Leu266Phe). This variant has not been reported in the literature in individuals affected with BARD1-related conditions. This variant is not present in population databases (gnomAD no frequency). ClinVar contains an entry for this variant (Variation ID: 479179). Computational prediction suggests that this variant may not impact protein structure and function . In summary, the available evidence is currently insufficient to determine the role of this variant in disease. Therefore, it has been classified as a Variant of Uncertain Significance. Heterozygous mutation in the BARD1 gene associated with susceptibility to Breast cancer

Ambry Genetics
Classification: Likely benign for Hereditary cancer-predisposing syndrome. Last evaluated: 2024-02-26. Review status: criteria provided, single submitter. Criteria: Ambry Variant Classification Scheme 2023. Collection method: clinical testing. Allele origin: germline.

Quest Diagnostics Nichols Institute San Juan Capistrano
Classification: Uncertain significance. Last evaluated: 2024-01-25. Review status: criteria provided, single submitter. Criteria: Quest Diagnostics criteria. Collection method: clinical testing. Allele origin: unknown.
Comment: The BARD1 c.798G>C (p.Leu266Phe) variant has not been reported in individuals with BARD1-related conditions in the published literature. It also has not been reported in large, multi-ethnic general populations (Genome Aggregation Database). Analysis of this variant using bioinformatics tools for the prediction of the effect of amino acid changes on protein structure and function yielded predictions that this variant is benign. Based on the available information, we are unable to determine the clinical significance of this variant.

Color Diagnostics, LLC DBA Color Health
Classification: Uncertain significance for Hereditary cancer-predisposing syndrome. Last evaluated: 2023-12-06. Review status: criteria provided, single submitter. Criteria: ACMG Guidelines, 2015. Collection method: clinical testing. Allele origin: germline.
Comment: This missense variant replaces leucine with phenylalanine at codon 266 of the BARD1 protein. Computational prediction suggests that this variant may not impact protein structure and function (internally defined REVEL score threshold <= 0.5, PMID: 27666373). To our knowledge, functional studies have not been reported for this variant. This variant has not been reported in individuals affected with hereditary cancer in the literature. This variant has not been identified in the general population by the Genome Aggregation Database (gnomAD). The available evidence is insufficient to determine the role of this variant in disease conclusively. Therefore, this variant is classified as a Variant of Uncertain Significance.

NM_000465.4(BARD1):c.798G>C (p.Leu266Phe)

Gene: BARD1 (BRCA1 associated RING domain 1; minus strand). Cytogenetic location: 2q35.
Variant type: single nucleotide variant.
Coding change: c.798G>C on transcript NM_000465.4 (MANE Select); coding-DNA position 798, G replaced by C.
Protein change: p.Leu266Phe; replaces leucine 266 with phenylalanine.
Molecular consequence: missense variant. On other transcripts: non-coding transcript variant (2), intron variant (3).
Genome position (GRCh38, 1-based): chr2:214,781,076, C>G on the plus strand (G>C on the coding strand, the complement: BARD1 is on the minus strand). VCF-style: chr2-214781076-C-G. GRCh37 (hg19) VCF-style: chr2-215645800-C-G.
Other names: c.741G>C, p.Leu247Phe (NM_001282543.2); c.158+28336G>C (NM_001282548.2); c.215+15985G>C (NM_001282545.2); c.364+11221G>C (NM_001282549.2); short protein forms L266F, L247F.
Identifiers: ClinVar variation 479179 (VCV000479179.28), dbSNP rs1553622436, ClinGen allele CA350455633.
Genomic context (GRCh38, chr2:214,781,076, plus strand): 5'-TATTTGCTCAGCCAATGGTAAAGAGACTTCAGTTAAACTTCCAAAACATTCAGATTCTGT[C>G]AAGGAGCCACTTGCTAGTAAGTCTATTTCACCATTTATCTGAGGACTGGAGATAACAGAT-3'
Protein context (NP_000456.2, residues 256-276): GEIDLLASGS[Leu266Phe]TESECFGSLT